The following is an entry in ClinVar:

ClinVar aggregate classification (germline): Uncertain significance. Review status: criteria provided, multiple submitters, no conflicts (2 of 4 stars). 3 submissions from 3 submitters: Uncertain significance (3). Last evaluated 2025-10-13.

Conditions:
SPG7-related disorder. Also called: SPG7-related condition.
Hereditary spastic paraplegia 7 (SPG7). Also called: Autosomal recessive spastic paraplegia type 7; Spastic paraplegia 7; Hereditary spastic paraplegia Paraplegin type; SPASTIC PARAPLEGIA 7, AUTOSOMAL RECESSIVE, WITH OR WITHOUT CEREBELLAR ATAXIA; SPG7-related neurologic disorder. Identifiers: Orphanet 99013, MedGen C1846564, MONDO:0011803, OMIM 607259.

Allele frequency attached by ClinVar (database versions not stated): TOPMed 0.00009; gnomAD 0.00013 and 0.00012; gnomAD exomes 0.00001.
gnomAD v4.1: 38 of 1,514,754 alleles (0.0025%); highest among the groups gnomAD compares: African/African-American, 0.048%; no homozygotes.

Submissions (3):

Labcorp Genetics (formerly Invitae), Labcorp
Classification: Uncertain significance for Hereditary spastic paraplegia 7. Last evaluated: 2025-10-13. Review status: criteria provided, single submitter. Criteria: Invitae Variant Classification Sherloc (09022015). Collection method: clinical testing. Allele origin: germline.
Comment: This sequence change replaces serine, which is neutral and polar, with asparagine, which is neutral and polar, at codon 30 of the SPG7 protein (p.Ser30Asn). The frequency data for this variant in the population databases is considered unreliable, as metrics indicate poor data quality at this position in the gnomAD database. This variant has not been reported in the literature in individuals affected with SPG7-related conditions. ClinVar contains an entry for this variant (Variation ID: 215199). Invitae Evidence Modeling of protein sequence and biophysical properties (such as structural, functional, and spatial information, amino acid conservation, physicochemical variation, residue mobility, and thermodynamic stability) indicates that this missense variant is not expected to disrupt SPG7 protein function with a negative predictive value of 95%. In summary, the available evidence is currently insufficient to determine the role of this variant in disease. Therefore, it has been classified as a Variant of Uncertain Significance.

PreventionGenetics, part of Exact Sciences
Classification: Uncertain significance for SPG7-related condition. Last evaluated: 2023-08-31. Review status: criteria provided, single submitter. Criteria: ACMG Guidelines, 2015. Collection method: clinical testing. Allele origin: germline.
Comment: The SPG7 c.89G>A variant is predicted to result in the amino acid substitution p.Ser30Asn. To our knowledge, this variant has not been reported in the literature. This variant is reported in 0.037% of alleles in individuals of African descent in gnomAD. At this time, the clinical significance of this variant is uncertain due to the absence of conclusive functional and genetic evidence.

Illumina Laboratory Services, Illumina
Classification: Uncertain significance for Hereditary spastic paraplegia 7. Last evaluated: 2018-01-13. Review status: criteria provided, single submitter. Criteria: ICSL Variant Classification Criteria 13 December 2019. Collection method: clinical testing. Allele origin: germline.

NM_003119.4(SPG7):c.89G>A (p.Ser30Asn)

Genes: SPG7 (SPG7 matrix AAA peptidase subunit, paraplegin; plus strand), LOC130059818 (ATAC-STARR-seq lymphoblastoid silent region 7911; plus strand). Cytogenetic location: 16q24.3.
Variant type: single nucleotide variant.
Coding change: c.89G>A on transcript NM_003119.4 (MANE Select); coding-DNA position 89, G replaced by A.
Protein change: p.Ser30Asn; replaces serine 30 with asparagine.
Molecular consequence: missense variant.
Genome position (GRCh38, 1-based): chr16:89,508,506, G>A. VCF-style: chr16-89508506-G-A. GRCh37 (hg19) VCF-style: chr16-89574914-G-A.
Other names: c.89G>A (NM_003119.3); c.89G>A, p.Ser30Asn (NM_001363850.1, NM_199367.3); short protein forms S30N.
Identifiers: ClinVar variation 215199 (VCV000215199.14), dbSNP rs863224215, ClinGen allele CA323832.